The following is an entry in ClinVar:

ClinVar aggregate classification (germline): Likely benign. Review status: criteria provided, multiple submitters, no conflicts (2 of 4 stars). 3 submissions from 3 submitters: Likely benign (2). 1 of the submissions does not count toward it. Last evaluated 2024-06-04.

Conditions:
Charcot-Marie-Tooth disease axonal type 2O. Also called: Charcot-Marie-Tooth disease, axonal, type 20; CHARCOT-MARIE-TOOTH NEUROPATHY, AXONAL, TYPE 2O; CHARCOT-MARIE-TOOTH DISEASE, AXONAL, AUTOSOMAL DOMINANT, TYPE 2O; Charcot-Marie-Tooth Neuropathy Type 2O. Identifiers: Orphanet 284232, MedGen C3280220, MONDO:0013644, OMIM 614228.
DYNC1H1-related disorder. Also called: DYNC1H1-related condition; DYNC1H1-related disorders. Identifiers: MedGen CN381529.

Allele frequency attached by ClinVar (database versions not stated): gnomAD 0.00001.
gnomAD v4.1: 1 of 1,614,126 alleles (0.000062%); highest among the groups gnomAD compares: African/African-American, 0.0013%; no homozygotes.

Submissions (3):

Labcorp Genetics (formerly Invitae), Labcorp
Classification: Likely benign for Charcot-Marie-Tooth disease axonal type 2O. Last evaluated: 2024-06-04. Review status: criteria provided, single submitter. Criteria: Invitae Variant Classification Sherloc (09022015). Collection method: clinical testing. Allele origin: germline.

GeneDx
Classification: Likely benign. Last evaluated: 2017-03-13. Review status: criteria provided, single submitter. Criteria: GeneDx Variant Classification (06012015). Collection method: clinical testing. Allele origin: germline. Affected: yes.
Comment: This variant is considered likely benign or benign based on one or more of the following criteria: it is a conservative change, it occurs at a poorly conserved position in the protein, it is predicted to be benign by multiple in silico algorithms, and/or has population frequency not consistent with disease.

PreventionGenetics, part of Exact Sciences
Classification: Likely benign for DYNC1H1-related condition. Last evaluated: 2021-10-18. Review status: no assertion criteria provided. Collection method: clinical testing. Allele origin: germline. Not counted in ClinVar's aggregate classification.
Comment: This variant is classified as likely benign based on ACMG/AMP sequence variant interpretation guidelines (Richards et al. 2015 PMID: 25741868, with internal and published modifications).

NM_001376.5(DYNC1H1):c.4752G>A (p.Lys1584=)

Gene: DYNC1H1 (dynein cytoplasmic 1 heavy chain 1; plus strand). Cytogenetic location: 14q32.31.
Variant type: single nucleotide variant.
Coding change: c.4752G>A on transcript NM_001376.5 (MANE Select); coding-DNA position 4752, G replaced by A.
Protein change: p.Lys1584=; no amino-acid change (lysine 1584 retained).
Molecular consequence: synonymous variant.
Genome position (GRCh38, 1-based): chr14:102,002,834, G>A. VCF-style: chr14-102002834-G-A. GRCh37 (hg19) VCF-style: chr14-102469171-G-A.
Identifiers: ClinVar variation 507970 (VCV000507970.5), dbSNP rs1436095321, ClinGen allele CA487969415.